The following is an entry in ClinVar:

NM_004463.3(FGD1):c.1695+5G>A

Gene: FGD1 (FYVE, RhoGEF and PH domain containing 1; minus strand). Cytogenetic location: Xp11.22.
Variant type: single nucleotide variant.
Coding change: c.1695+5G>A on transcript NM_004463.3 (MANE Select); 5 bases into the intron after coding-DNA position 1695, G replaced by A.
Molecular consequence: intron variant.
Genome position (GRCh38, 1-based): chrX:54,456,504, C>T on the plus strand (G>A on the coding strand, the complement: FGD1 is on the minus strand). VCF-style: chrX-54456504-C-T. GRCh37 (hg19) VCF-style: chrX-54482937-C-T.
Identifiers: ClinVar variation 2805765 (VCV002805765.3), dbSNP rs2522700323, ClinGen allele CA2739273539.

ClinVar aggregate classification (germline): Uncertain significance (1 of 4 stars; one submission).

Submission:

Labcorp Genetics (formerly Invitae), Labcorp
Classification: Uncertain significance. Last evaluated: 2024-08-30. Review status: criteria provided, single submitter. Criteria: Invitae Variant Classification Sherloc (09022015). Collection method: clinical testing. Allele origin: germline.
Comment: This sequence change falls in intron 9 of the FGD1 gene. It does not directly change the encoded amino acid sequence of the FGD1 protein. It affects a nucleotide within the consensus splice site. This variant is not present in population databases (gnomAD no frequency). This variant has not been reported in the literature in individuals affected with FGD1-related conditions. Variants that disrupt the consensus splice site are a relatively common cause of aberrant splicing (PMID: 17576681, 9536098). Algorithms developed to predict the effect of sequence changes on RNA splicing suggest that this variant may disrupt the consensus splice site. In summary, the available evidence is currently insufficient to determine the role of this variant in disease. Therefore, it has been classified as a Variant of Uncertain Significance.

Literature cited by the submitters: PubMed 17576681; PubMed 9536098.